The following is an entry in ClinVar:

ClinVar aggregate classification (germline): Likely benign. Review status: criteria provided, multiple submitters, no conflicts (2 of 4 stars). 3 submissions from 3 submitters: Likely benign (2). 1 of the submissions does not count toward it. Last evaluated 2025-09-26.

Conditions:
CCDC78-related disorder. Also called: CCDC78-related condition.
Congenital myopathy with internal nuclei and atypical cores. Also called: Myopathy, centronuclear, 4. Identifiers: Orphanet 319160, MedGen C4707232, MONDO:0013890, OMIM 614807.

Allele frequency attached by ClinVar (database versions not stated): gnomAD exomes 0.00013; gnomAD 0.00148 and 0.00154; TOPMed 0.00149; ESP Exome Variant Server 0.00185; 1000 Genomes Project 0.00200; 1000 Genomes Project 30x 0.00234.
gnomAD v4.1: 425 of 1,594,716 alleles (0.027%); highest among the groups gnomAD compares: African/African-American, 0.49%; 4 homozygotes.

Submissions (3):

Labcorp Genetics (formerly Invitae), Labcorp
Classification: Likely benign for Congenital myopathy with internal nuclei and atypical cores. Last evaluated: 2025-09-26. Review status: criteria provided, single submitter. Criteria: Invitae Variant Classification Sherloc (09022015). Collection method: clinical testing. Allele origin: germline.

Breakthrough Genomics
Classification: Likely benign. Review status: criteria provided, single submitter. Criteria: ACMG Guidelines, 2015. Collection method: not provided. Allele origin: germline. Inheritance: Autosomal dominant inheritance. Affected: yes.

PreventionGenetics, part of Exact Sciences
Classification: Benign for CCDC78-related condition. Last evaluated: 2023-05-22. Review status: no assertion criteria provided. Collection method: clinical testing. Allele origin: germline. Not counted in ClinVar's aggregate classification.
Comment: This variant is classified as benign based on ACMG/AMP sequence variant interpretation guidelines (Richards et al. 2015 PMID: 25741868, with internal and published modifications).

NM_001378030.1(CCDC78):c.1043G>A (p.Arg348Gln)

Gene: CCDC78 (coiled-coil domain containing 78; minus strand). Cytogenetic location: 16p13.3.
Variant type: single nucleotide variant.
Coding change: c.1043G>A on transcript NM_001378030.1 (MANE Select); coding-DNA position 1043, G replaced by A.
Protein change: p.Arg348Gln; replaces arginine 348 with glutamine.
Molecular consequence: missense variant. On other transcripts: non-coding transcript variant (5), intron variant (1).
Genome position (GRCh38, 1-based): chr16:724,116, C>T on the plus strand (G>A on the coding strand, the complement: CCDC78 is on the minus strand). VCF-style: chr16-724116-C-T. GRCh37 (hg19) VCF-style: chr16-774116-C-T.
Other names: c.1043G>A, p.Arg348Gln (NM_001031737.3); c.476G>A, p.Arg159Gln (NM_001378033.1); c.953+206G>A (NM_001378031.1); short protein forms R348Q, R159Q.
Identifiers: ClinVar variation 540481 (VCV000540481.15), dbSNP rs142170929, ClinGen allele CA7789300.
Genomic context (GRCh38, chr16:724,116, plus strand): 5'-GTGGGTGGGGGGCACCCGGGCCTGGAGCTTCTGGGGGTCTCTAGCCTCACCTGGTCCTCC[C>T]GATGGCTGAAGTCAGTGACCAGGGGCACGGGCAATGGTTCCAGGTCCAAGCTGGCTATGT-3'
Protein context (NP_001364959.1, residues 338-358): PVPLVTDFSH[Arg348Gln]EDQHGGPGAL